The following is an entry in ClinVar:

NM_032447.5(FBN3):c.3052G>A (p.Ala1018Thr)

Gene: FBN3 (fibrillin 3; minus strand). Cytogenetic location: 19p13.2.
Variant type: single nucleotide variant.
Coding change: c.3052G>A on transcript NM_032447.5 (MANE Select); coding-DNA position 3052, G replaced by A.
Protein change: p.Ala1018Thr; replaces alanine 1018 with threonine.
Molecular consequence: missense variant.
Genome position (GRCh38, 1-based): chr19:8,123,494, C>T on the plus strand (G>A on the coding strand, the complement: FBN3 is on the minus strand). VCF-style: chr19-8123494-C-T. GRCh37 (hg19) VCF-style: chr19-8188378-C-T.
Other names: c.3052G>A, p.Ala1018Thr (NM_001321431.2); short protein forms A1018T.
Identifiers: ClinVar variation 4697228 (VCV004697228.1).

ClinVar aggregate classification (germline): Uncertain significance (1 of 4 stars; one submission).

gnomAD v4.1: 25 of 1,613,832 alleles (0.0015%); highest among the groups gnomAD compares: Middle Eastern, 0.016%; no homozygotes.

Submission:

Labcorp Genetics (formerly Invitae), Labcorp
Classification: Uncertain significance. Last evaluated: 2025-07-24. Review status: criteria provided, single submitter. Criteria: Invitae Variant Classification Sherloc (09022015). Collection method: clinical testing. Allele origin: germline.
Comment: This sequence change replaces alanine, which is neutral and non-polar, with threonine, which is neutral and polar, at codon 1018 of the FBN3 protein (p.Ala1018Thr). This variant is present in population databases (rs140271593, gnomAD 0.009%). This variant has not been reported in the literature in individuals affected with FBN3-related conditions. Invitae Evidence Modeling of protein sequence and biophysical properties (such as structural, functional, and spatial information, amino acid conservation, physicochemical variation, residue mobility, and thermodynamic stability) indicates that this missense variant is not expected to disrupt FBN3 protein function with a negative predictive value of 80%. In summary, the available evidence is currently insufficient to determine the role of this variant in disease. Therefore, it has been classified as a Variant of Uncertain Significance.